The following is an entry in ClinVar:

ClinVar aggregate classification (germline): Uncertain significance (0 of 4 stars; one submission).

Conditions:
Fanconi anemia complementation group G. Also called: FANCG-Related Fanconi Anemia; Fanconi anemia group G. Identifiers: Orphanet 84, MedGen C3469527, MONDO:0013565, OMIM 614082.

Submission:

Leiden Open Variation Database
Classification: Uncertain significance for Fanconi anemia complementation group G. Last evaluated: 2020-02-28. Review status: no assertion criteria provided. Collection method: curation. Allele origin: germline. Affected: yes.
Comment: Curator: Arleen D. Auerbach. Submitter to LOVD: Daniela Pilonetto.

Literature cited by the submitters: PubMed 24300640.

NM_004629.2(FANCG):c.1636+1G>A

Gene: FANCG (FA complementation group G; minus strand). Cytogenetic location: 9p13.3.
Variant type: single nucleotide variant.
Coding change: c.1636+1G>A on transcript NM_004629.2 (MANE Select); the canonical splice donor site of the intron after coding-DNA position 1636, G replaced by A.
Molecular consequence: splice donor variant.
Genome position (GRCh38, 1-based): chr9:35,074,926, C>T on the plus strand (G>A on the coding strand, the complement: FANCG is on the minus strand). VCF-style: chr9-35074926-C-T. GRCh37 (hg19) VCF-style: chr9-35074923-C-T.
Identifiers: ClinVar variation 929703 (VCV000929703.1), dbSNP rs1829054352, ClinGen allele CA373303186.